The following is an entry in ClinVar:

ClinVar aggregate classification (germline): Uncertain significance. Review status: criteria provided, multiple submitters, no conflicts (2 of 4 stars). 3 submissions from 3 submitters: Uncertain significance (3). Last evaluated 2025-05-07.

Conditions:
Glycogen storage disease due to muscle and heart glycogen synthase deficiency. Also called: GSD 0b; MUSCLE GLYCOGEN SYNTHASE DEFICIENCY. Identifiers: Orphanet 137625, MedGen C1969054, MONDO:0012693, OMIM 611556.
Inborn genetic diseases. Identifiers: MedGen C0950123, MeSH D030342.

Allele frequency attached by ClinVar (database versions not stated): gnomAD 0.00001 and 0.00002; TOPMed 0.00002; gnomAD exomes 0.00003 and 0.00005; ExAC 0.00005; ESP Exome Variant Server 0.00008.
gnomAD v4.1: 42 of 1,613,898 alleles (0.0026%); highest among the groups gnomAD compares: Admixed American, 0.005%; no homozygotes.

Submissions (3):

Ambry Genetics
Classification: Uncertain significance for Inborn genetic diseases. Last evaluated: 2025-05-07. Review status: criteria provided, single submitter. Criteria: Ambry Variant Classification Scheme 2023. Collection method: clinical testing. Allele origin: germline.

Blueprint Genetics
Classification: Uncertain significance. Last evaluated: 2024-10-29. Review status: criteria provided, single submitter. Criteria: ACMG Guidelines, 2015. Collection method: clinical testing. Allele origin: germline.

Labcorp Genetics (formerly Invitae), Labcorp
Classification: Uncertain significance for Glycogen storage disease due to muscle and heart glycogen synthase deficiency. Last evaluated: 2022-10-17. Review status: criteria provided, single submitter. Criteria: Invitae Variant Classification Sherloc (09022015). Collection method: clinical testing. Allele origin: germline.
Comment: This sequence change replaces glutamic acid, which is acidic and polar, with lysine, which is basic and polar, at codon 265 of the GYS1 protein (p.Glu265Lys). This variant is present in population databases (rs138606563, gnomAD 0.01%). This variant has not been reported in the literature in individuals affected with GYS1-related conditions. ClinVar contains an entry for this variant (Variation ID: 653921). Advanced modeling of protein sequence and biophysical properties (such as structural, functional, and spatial information, amino acid conservation, physicochemical variation, residue mobility, and thermodynamic stability) performed at Invitae indicates that this missense variant is expected to disrupt GYS1 protein function. In summary, the available evidence is currently insufficient to determine the role of this variant in disease. Therefore, it has been classified as a Variant of Uncertain Significance.

NM_002103.5(GYS1):c.793G>A (p.Glu265Lys)

Gene: GYS1 (glycogen synthase 1; minus strand). Cytogenetic location: 19q13.33.
Variant type: single nucleotide variant.
Coding change: c.793G>A on transcript NM_002103.5 (MANE Select); coding-DNA position 793, G replaced by A.
Protein change: p.Glu265Lys; replaces glutamic acid 265 with lysine.
Molecular consequence: missense variant. On other transcripts: non-coding transcript variant (1).
Genome position (GRCh38, 1-based): chr19:48,985,491, C>T on the plus strand (G>A on the coding strand, the complement: GYS1 is on the minus strand). VCF-style: chr19-48985491-C-T. GRCh37 (hg19) VCF-style: chr19-49488748-C-T.
Other names: c.601G>A, p.Glu201Lys (NM_001161587.2); short protein forms E265K, E201K.
Identifiers: ClinVar variation 653921 (VCV000653921.8), dbSNP rs138606563, ClinGen allele CA9563222.